The following is an entry in ClinVar:

ClinVar aggregate classification (germline): Conflicting classifications of pathogenicity. Review status: criteria provided, conflicting classifications (1 of 4 stars). 3 submissions from 3 submitters: Uncertain significance (2); Likely benign (1). Last evaluated 2025-12-09.

Conditions:
Spondylometaphyseal dysplasia - Sutcliffe type. Also called: Sutcliffe type of spondylometaphyseal dysplasia; Sutcliffe SMD; Spondylometaphyseal dysplasia, 'corner fracture' type; Spondylometaphyseal Dysplasia, Corner Fracture Type. Identifiers: Orphanet 93315, MedGen C0432221, MONDO:0008479, OMIM 184255.
Glomerulopathy with fibronectin deposits 2 (GFND2). Identifiers: Orphanet 84090, MedGen C1866075, MONDO:0011165, OMIM 601894.
Inborn genetic diseases. Identifiers: MedGen C0950123, MeSH D030342.

Allele frequency attached by ClinVar (database versions not stated): gnomAD exomes 0.00005; TOPMed 0.00005; ExAC 0.00006; gnomAD 0.00009.
gnomAD v4.1: 80 of 1,614,190 alleles (0.005%); highest among the groups gnomAD compares: South Asian, 0.011%; no homozygotes.

Submissions (3):

Ambry Genetics
Classification: Likely benign for Inborn genetic diseases. Last evaluated: 2025-12-09. Review status: criteria provided, single submitter. Criteria: Ambry Variant Classification Scheme 2023. Collection method: clinical testing. Allele origin: germline.

Labcorp Genetics (formerly Invitae), Labcorp
Classification: Uncertain significance. Last evaluated: 2025-06-03. Review status: criteria provided, single submitter. Criteria: Invitae Variant Classification Sherloc (09022015). Collection method: clinical testing. Allele origin: germline.
Comment: This sequence change replaces threonine, which is neutral and polar, with methionine, which is neutral and non-polar, at codon 2293 of the FN1 protein (p.Thr2293Met). This variant is present in population databases (rs750419825, gnomAD 0.02%), and has an allele count higher than expected for a pathogenic variant. This variant has not been reported in the literature in individuals affected with FN1-related conditions. ClinVar contains an entry for this variant (Variation ID: 2717912). An algorithm developed to predict the effect of missense changes on protein structure and function (PolyPhen-2) suggests that this variant is likely to be tolerated. In summary, the available evidence is currently insufficient to determine the role of this variant in disease. Therefore, it has been classified as a Variant of Uncertain Significance.

Fulgent Genetics
Classification: Uncertain significance for Spondylometaphyseal dysplasia - Sutcliffe type; Glomerulopathy with fibronectin deposits 2. Last evaluated: 2024-04-11. Review status: criteria provided, single submitter. Criteria: ACMG Guidelines, 2015. Collection method: clinical testing. Allele origin: germline.

NM_212482.4(FN1):c.6878C>T (p.Thr2293Met)

Genes: ATIC (5-aminoimidazole-4-carboxamide ribonucleotide formyltransferase/IMP cyclohydrolase; plus strand), FN1 (fibronectin 1; minus strand). Cytogenetic location: 2q35.
Variant type: single nucleotide variant.
Coding change: c.6878C>T on transcript NM_212482.4 (MANE Select); coding-DNA position 6878, C replaced by T.
Protein change: p.Thr2293Met; replaces threonine 2293 with methionine.
Molecular consequence: missense variant.
Genome position (GRCh38, 1-based): chr2:215,368,003, G>A on the plus strand (C>T on the coding strand, the complement: FN1 is on the minus strand). VCF-style: chr2-215368003-G-A. GRCh37 (hg19) VCF-style: chr2-216232726-G-A.
Other names: c.6878C>T (NM_212482.1); c.6785C>T, p.Thr2262Met (NM_001306129.2); c.6248C>T, p.Thr2083Met (NM_001306130.2); c.6242C>T, p.Thr2081Met (NM_001306131.2); c.6167C>T, p.Thr2056Met (NM_001306132.2); c.6608C>T, p.Thr2203Met (NM_001365517.2); c.6605C>T, p.Thr2202Met (NM_001365518.2); c.6533C>T, p.Thr2178Met (NM_001365519.2); and 9 more; short protein forms T2082M, T2147M, T2178M, T2202M, T2056M, T2081M, T2087M, T2112M.
Identifiers: ClinVar variation 2717912 (VCV002717912.5), dbSNP rs750419825, ClinGen allele CA2093713.
Genomic context (GRCh38, chr2:215,368,003, plus strand): 5'-TCCCACTCATCTCCAACGGCATAATGGGAAACTGTGTAGGGGTCAAAGCACGAGTCATCC[G>A]TAGGTTGGTTCAAGCCTTCGTTGACTATGAAGAAAAGGAAGAAAAAGCAAAAAGAGACAT-3'
Protein context (NP_997647.2, residues 2283-2303): NSVNEGLNQP[Thr2293Met]DDSCFDPYTV